The following is an entry in ClinVar:

ClinVar aggregate classification (germline): Uncertain significance (0 of 4 stars; one submission).

Allele frequency attached by ClinVar (database versions not stated): gnomAD exomes below 0.00001.
gnomAD v4.1: 2 of 1,611,566 alleles (0.00012%); highest among the groups gnomAD compares: African/African-American, 0.0013%; no homozygotes.

Submission:

Genetic Services Laboratory, University of Chicago
Classification: Uncertain significance. Last evaluated: 2022-09-21. Review status: no assertion criteria provided. Collection method: clinical testing. Allele origin: germline. Affected: no.
Comment: DNA sequence analysis of the CCDC88A gene demonstrated a sequence change, c.982G>A, in exon 10 that results in an amino acid change, p.Glu328Lys. This sequence change does not appear to have been previously described in individuals with CCDC88A-related disorders. This sequence change has been described in the gnomAD database in 1 individual which corresponds to a population frequency of 0.004% (dbSNP rs1316511830). The p.Glu328Lys change affects a highly conserved amino acid residue located in a domain of the CCDC88A protein that is known to be functional. The p.Glu328Lys substitution appears to be benign using several in-silico pathogenicity prediction tools (SIFT, PolyPhen2, Align GVGD, REVEL). Due to insufficient evidences and the lack of functional studies, the clinical significance of the p.Glu328Lys change remains unknown at this time. Biallelic truncating variants in the CCDC88A gene have been reported in a few individuals with PEHO-like syndrome, characterized by infantile hypotonia, intellectual disability, seizures, optic atrophy, encephalopathy and progressive microcephaly (PMID: 26917597, 30392057)

NM_001365480.1(CCDC88A):c.982G>A (p.Glu328Lys)

Gene: CCDC88A (coiled-coil domain containing 88A; minus strand). Cytogenetic location: 2p16.1.
Variant type: single nucleotide variant.
Coding change: c.982G>A on transcript NM_001365480.1 (MANE Select); coding-DNA position 982, G replaced by A.
Protein change: p.Glu328Lys; replaces glutamic acid 328 with lysine.
Molecular consequence: missense variant.
Genome position (GRCh38, 1-based): chr2:55,346,234, C>T on the plus strand (G>A on the coding strand, the complement: CCDC88A is on the minus strand). VCF-style: chr2-55346234-C-T. GRCh37 (hg19) VCF-style: chr2-55573370-C-T.
Other names: c.982G>A, p.Glu328Lys (NM_001135597.2, NM_001254943.2, NM_018084.5); short protein forms E328K.
Identifiers: ClinVar variation 2443089 (VCV002443089.2), dbSNP rs1316511830, ClinGen allele CA346906902.